The following is an entry in ClinVar:

ClinVar aggregate classification (germline): Benign/Likely benign. Review status: criteria provided, multiple submitters, no conflicts (2 of 4 stars). 3 submissions from 3 submitters: Benign (2); Likely benign (1). Last evaluated 2025-05-22.

Conditions:
Cone-rod dystrophy 7 (CORD7). Identifiers: Orphanet 1872, MedGen C1863634, MONDO:0011355, OMIM 603649.

Allele frequency attached by ClinVar (database versions not stated): TOPMed 0.00016; ExAC 0.00017; 1000 Genomes Project 0.00020; gnomAD exomes 0.00020; 1000 Genomes Project 30x 0.00031; gnomAD 0.00012 and 0.00013.
gnomAD v4.1: 93 of 1,613,766 alleles (0.0058%); highest among the groups gnomAD compares: East Asian, 0.19%; no homozygotes.

Submissions (3):

Labcorp Genetics (formerly Invitae), Labcorp
Classification: Benign. Last evaluated: 2025-05-22. Review status: criteria provided, single submitter. Criteria: Invitae Variant Classification Sherloc (09022015). Collection method: clinical testing. Allele origin: germline.

Blueprint Genetics
Classification: Likely benign. Last evaluated: 2024-09-10. Review status: criteria provided, single submitter. Criteria: ACMG Guidelines, 2015. Collection method: clinical testing. Allele origin: germline.

Illumina Laboratory Services, Illumina
Classification: Benign for Cone-rod dystrophy 7. Last evaluated: 2018-01-13. Review status: criteria provided, single submitter. Criteria: ICSL Variant Classification Criteria 13 December 2019. Collection method: clinical testing. Allele origin: germline.
Comment: This variant was observed in the ICSL laboratory as part of a predisposition screen in an ostensibly healthy population. It had not been previously curated by ICSL or reported in the Human Gene Mutation Database (HGMD: prior to June 1st, 2018), and was therefore a candidate for classification through an automated scoring system. Utilizing variant allele frequency, disease prevalence and penetrance estimates, and inheritance mode, an automated score was calculated to assess if this variant is too frequent to cause the disease. Based on the score and internal cut-off values, a variant classified as benign is not then subjected to further curation. The score for this variant resulted in a classification of benign for this disease.

NM_014989.7(RIMS1):c.165-5C>G

Gene: RIMS1 (regulating synaptic membrane exocytosis 1; plus strand). Cytogenetic location: 6q13.
Variant type: single nucleotide variant.
Coding change: c.165-5C>G on transcript NM_014989.7 (MANE Select); 5 bases into the intron before coding-DNA position 165, C replaced by G.
Molecular consequence: intron variant.
Genome position (GRCh38, 1-based): chr6:71,968,978, C>G. VCF-style: chr6-71968978-C-G. GRCh37 (hg19) VCF-style: chr6-72678681-C-G.
Other names: c.165-5C>G (NM_001350413.1, NM_001350411.1); c.164+81791C>G (NM_001350412.1).
Identifiers: ClinVar variation 357829 (VCV000357829.14), dbSNP rs532652925, ClinGen allele CA3885417.
Genomic context (GRCh38, chr6:71,968,978, plus strand): 5'-TTTCTAGATGTGTTCTACCCTTTTTATAATTAATAGTGCGTTGTGCTGTCTATCATGCGC[C>G]CCAGGTGTGTTGTCAGGGACATGGCGAAGCCTGCTGCCTGCAAAACACCAAGAAATGCTG-3'